The following is an entry in ClinVar:

ClinVar aggregate classification (germline): Uncertain significance (1 of 4 stars; one submission).

Allele frequency attached by ClinVar (database versions not stated): gnomAD exomes 0.00001.

Submission:

Labcorp Genetics (formerly Invitae), Labcorp
Classification: Uncertain significance. Last evaluated: 2022-05-15. Review status: criteria provided, single submitter. Criteria: Invitae Variant Classification Sherloc (09022015). Collection method: clinical testing. Allele origin: germline.
Comment: This sequence change replaces lysine, which is basic and polar, with isoleucine, which is neutral and non-polar, at codon 286 of the MMP9 protein (p.Lys286Ile). This variant is not present in population databases (gnomAD no frequency). This variant has not been reported in the literature in individuals affected with MMP9-related conditions. Algorithms developed to predict the effect of missense changes on protein structure and function are either unavailable or do not agree on the potential impact of this missense change (SIFT: "Tolerated"; PolyPhen-2: "Possibly Damaging"; Align-GVGD: "Class C0"). In summary, the available evidence is currently insufficient to determine the role of this variant in disease. Therefore, it has been classified as a Variant of Uncertain Significance.

NM_004994.3(MMP9):c.857A>T (p.Lys286Ile)

Gene: MMP9 (matrix metallopeptidase 9; plus strand). Cytogenetic location: 20q13.12.
Variant type: single nucleotide variant.
Coding change: c.857A>T on transcript NM_004994.3 (MANE Select); coding-DNA position 857, A replaced by T.
Protein change: p.Lys286Ile; replaces lysine 286 with isoleucine.
Molecular consequence: missense variant.
Genome position (GRCh38, 1-based): chr20:46,011,607, A>T. VCF-style: chr20-46011607-A-T. GRCh37 (hg19) VCF-style: chr20-44640246-A-T.
Other names: short protein forms K286I.
Identifiers: ClinVar variation 2099700 (VCV002099700.4), dbSNP rs2515612902, ClinGen allele CA409214660.